The following is an entry in ClinVar:

NM_001291303.3(FAT4):c.1934C>T (p.Ser645Phe)

Gene: FAT4 (FAT atypical cadherin 4; plus strand). Cytogenetic location: 4q28.1.
Variant type: single nucleotide variant.
Coding change: c.1934C>T on transcript NM_001291303.3 (MANE Select); coding-DNA position 1934, C replaced by T.
Protein change: p.Ser645Phe; replaces serine 645 with phenylalanine.
Molecular consequence: missense variant.
Genome position (GRCh38, 1-based): chr4:125,318,345, C>T. VCF-style: chr4-125318345-C-T. GRCh37 (hg19) VCF-style: chr4-126239500-C-T.
Other names: c.1934C>T, p.Ser645Phe (NM_001291285.3, NM_024582.6); c.1934C>T (NM_024582.5); short protein forms S645F.
Identifiers: ClinVar variation 1374707 (VCV001374707.6), dbSNP rs1730741084, ClinGen allele CA358119105.

ClinVar aggregate classification (germline): Uncertain significance. Review status: criteria provided, multiple submitters, no conflicts (2 of 4 stars). 2 submissions from 2 submitters: Uncertain significance (2). Last evaluated 2024-01-23.

Conditions:
Hennekam lymphangiectasia-lymphedema syndrome 2 (HKLLS2). Identifiers: Orphanet 2136, MedGen C4014939, MONDO:0014454, OMIM 616006.
Van Maldergem syndrome 2 (VMLDS2). Identifiers: Orphanet 314679, MedGen C3809875, MONDO:0014242, OMIM 615546.

Allele frequency attached by ClinVar (database versions not stated): gnomAD exomes 0.00001; TOPMed 0.00001.
gnomAD v4.1: 14 of 1,614,214 alleles (0.00087%); highest among the groups gnomAD compares: South Asian, 0.0033%; no homozygotes.

Submissions (2):

Fulgent Genetics
Classification: Uncertain significance for Van Maldergem syndrome 2; Hennekam lymphangiectasia-lymphedema syndrome 2. Last evaluated: 2024-01-23. Review status: criteria provided, single submitter. Criteria: ACMG Guidelines, 2015. Collection method: clinical testing. Allele origin: germline.

Labcorp Genetics (formerly Invitae), Labcorp
Classification: Uncertain significance. Last evaluated: 2021-12-29. Review status: criteria provided, single submitter. Criteria: Invitae Variant Classification Sherloc (09022015). Collection method: clinical testing. Allele origin: germline.
Comment: This sequence change replaces serine, which is neutral and polar, with phenylalanine, which is neutral and non-polar, at codon 645 of the FAT4 protein (p.Ser645Phe). This variant is not present in population databases (gnomAD no frequency). This variant has not been reported in the literature in individuals affected with FAT4-related conditions. Advanced modeling of protein sequence and biophysical properties (such as structural, functional, and spatial information, amino acid conservation, physicochemical variation, residue mobility, and thermodynamic stability) performed at Invitae indicates that this missense variant is not expected to disrupt FAT4 protein function. In summary, the available evidence is currently insufficient to determine the role of this variant in disease. Therefore, it has been classified as a Variant of Uncertain Significance.